The following is an entry in ClinVar:

NM_001136139.4(TCF3):c.1736C>A (p.Ser579Ter)

Gene: TCF3 (transcription factor 3; minus strand). Cytogenetic location: 19p13.3.
Variant type: single nucleotide variant.
Coding change: c.1736C>A on transcript NM_001136139.4 (MANE Plus Clinical); coding-DNA position 1736, C replaced by A.
Protein change: p.Ser579Ter; replaces serine 579 with a stop codon.
Molecular consequence: nonsense. On other transcripts: intron variant (2).
Genome position (GRCh38, 1-based): chr19:1,612,284, G>T on the plus strand (C>A on the coding strand, the complement: TCF3 is on the minus strand). VCF-style: chr19-1612284-G-T. GRCh37 (hg19) VCF-style: chr19-1612283-G-T.
Other names: c.1736C>A, p.Ser579Ter (NM_001351779.2); c.1820-435C>A (NM_001351778.2); c.1823-435C>A (NM_003200.5); short protein forms S579*.
Identifiers: ClinVar variation 3674963 (VCV003674963.2).

ClinVar aggregate classification (germline): Uncertain significance (1 of 4 stars; one submission).

Submission:

Labcorp Genetics (formerly Invitae), Labcorp
Classification: Uncertain significance. Last evaluated: 2024-08-04. Review status: criteria provided, single submitter. Criteria: Invitae Variant Classification Sherloc (09022015). Collection method: clinical testing. Allele origin: germline.
Comment: The TCF3 gene has multiple clinically relevant transcripts. This variant occurs in alternate transcript NM_001136139.3, and corresponds to NM_003200.4:c.1823-435C>A in the primary transcript. This sequence change creates a premature translational stop signal (p.Ser579*) in the TCF3 gene. However, it is currently unclear if variants that occur in this region of the gene cause disease. This variant is present in population databases (no rsID available, gnomAD 0.003%). This variant has not been reported in the literature in individuals affected with TCF3-related conditions. Algorithms developed to predict the effect of sequence changes on RNA splicing suggest that this variant is not likely to affect RNA splicing. In summary, the available evidence is currently insufficient to determine the role of this variant in disease. Therefore, it has been classified as a Variant of Uncertain Significance.